The following is an entry in ClinVar:

NM_005523.6(HOXA11):c.*6C>T

Gene: HOXA11 (homeobox A11; minus strand). Cytogenetic location: 7p15.2.
Variant type: single nucleotide variant.
Coding change: c.*6C>T on transcript NM_005523.6 (MANE Select); 6 bases downstream of the stop codon, C replaced by T.
Molecular consequence: 3 prime UTR variant.
Genome position (GRCh38, 1-based): chr7:27,182,790, G>A on the plus strand (C>T on the coding strand, the complement: HOXA11 is on the minus strand). VCF-style: chr7-27182790-G-A. GRCh37 (hg19) VCF-style: chr7-27222409-G-A.
Identifiers: ClinVar variation 1336029 (VCV001336029.30), dbSNP rs17427861, ClinGen allele CA4198313.

ClinVar aggregate classification (germline): Benign/Likely benign. Review status: criteria provided, multiple submitters, no conflicts (2 of 4 stars). 5 submissions from 5 submitters: Benign (3); Likely benign (2). Last evaluated 2026-08-01.

Allele frequency attached by ClinVar (database versions not stated): ESP Exome Variant Server 0.00816; TOPMed 0.00832; gnomAD exomes 0.00853 and 0.00971; 1000 Genomes Project 30x 0.00375; 1000 Genomes Project 0.00399; gnomAD 0.00729 and 0.00735; ExAC 0.00810.
gnomAD v4.1: 14,759 of 1,553,688 alleles (0.95%); highest among the groups gnomAD compares: Middle Eastern, 2.9%; 89 homozygotes.

Submissions (5):

CeGaT Center for Human Genetics Tuebingen
Classification: Benign. Last evaluated: 2026-08-01. Review status: criteria provided, single submitter. Criteria: CeGaT Center For Human Genetics Tuebingen Variant Classification Criteria Version 2. Collection method: clinical testing. Allele origin: germline. Affected: yes. Observed: 11 variant alleles.
Comment: HOXA11: BS1, BS2

Blueprint Genetics
Classification: Likely benign. Last evaluated: 2024-11-25. Review status: criteria provided, single submitter. Criteria: ACMG Guidelines, 2015. Collection method: clinical testing. Allele origin: germline.

Mayo Clinic Laboratories, Mayo Clinic
Classification: Benign. Last evaluated: 2023-08-09. Review status: criteria provided, single submitter. Criteria: ACMG Guidelines, 2015. Collection method: clinical testing. Allele origin: germline. Observed: 28 variant alleles.
Comment: BS1, BS2

Genetic Services Laboratory, University of Chicago
Classification: Benign. Last evaluated: 2020-08-17. Review status: criteria provided, single submitter. Criteria: ACMG Guidelines, 2015. Collection method: clinical testing. Allele origin: germline. Affected: no.

Breakthrough Genomics
Classification: Likely benign. Review status: criteria provided, single submitter. Criteria: ACMG Guidelines, 2015. Collection method: not provided. Allele origin: germline. Inheritance: Autosomal dominant inheritance. Affected: yes.